The following is an entry in ClinVar:

ClinVar aggregate classification (germline): Pathogenic (1 of 4 stars; one submission).

Conditions:
Hermansky-Pudlak syndrome 3 (HPS3). Identifiers: Orphanet 231512, Orphanet 79430, MedGen C3888001, MONDO:0013555, OMIM 614072.

Submission:

Myriad Genetics, Inc.
Classification: Pathogenic for Hermansky-Pudlak syndrome 3. Last evaluated: 2025-08-23. Review status: criteria provided, single submitter. Criteria: Myriad Autosomal Dominant, Autosomal Recessive and X-Linked Classification Criteria (2023). Collection method: clinical testing. Allele origin: unknown.
Comment: NM_032383.3(HPS3):c.2151delT(Q718Nfs*16) is expected to be pathogenic in the context of Hermansky-Pudlak syndrome, HPS3-related. This variant is predicted to lead to an abnormal or absent protein product due to the creation of a premature termination codon in HPS3, a gene where loss-of-function variants are known to be pathogenic. Please note: this variant was assessed in the context of healthy population screening.

NM_032383.5(HPS3):c.2151del (p.Gln718fs)

Gene: HPS3 (HPS3 biogenesis of lysosomal organelles complex 2 subunit 1; plus strand). Cytogenetic location: 3q24.
Variant type: Deletion.
Coding change: c.2151del on transcript NM_032383.5 (MANE Select); coding-DNA position 2151, one base deleted (T; older notation c.2151delT).
Protein change: p.Gln718fs; shifts the reading frame from glutamine 718.
Molecular consequence: frameshift variant.
Genome position (GRCh38, 1-based): chr3:149,162,192, T deleted; the last of 2 consecutive T bases (chr3:149,162,191-149,162,192); deleting either gives the same sequence. VCF-style (leftmost placement, unchanged base first): chr3-149162190-AT-A. GRCh37 (hg19) VCF-style: chr3-148879977-AT-A.
Other names: c.1656del, p.Gln553fs (NM_001308258.2); short protein forms Q553fs, Q718fs.
Identifiers: ClinVar variation 5014905 (VCV005014905.1).
Genomic context (GRCh38, chr3:149,162,190, plus strand): 5'-TTTCTTTCTTATCTGAAGATGAAGTTGGTATGTGGCTTCATTCTGGAACCTCGGCTGTTG[AT>A]TCAACAGAGAAAGGGACAGATTGTTCCAACCGAGCTTGCACTTCACTTGAAGGAAACTCA-3'